The following is an entry in ClinVar:

NM_001278.5(CHUK):c.1646A>G (p.Tyr549Cys)

Gene: CHUK (component of inhibitor of nuclear factor kappa B kinase complex; minus strand). Cytogenetic location: 10q24.31.
Variant type: single nucleotide variant.
Coding change: c.1646A>G on transcript NM_001278.5 (MANE Select); coding-DNA position 1646, A replaced by G.
Protein change: p.Tyr549Cys; replaces tyrosine 549 with cysteine.
Molecular consequence: missense variant.
Genome position (GRCh38, 1-based): chr10:100,200,704, T>C on the plus strand (A>G on the coding strand, the complement: CHUK is on the minus strand). VCF-style: chr10-100200704-T-C. GRCh37 (hg19) VCF-style: chr10-101960461-T-C.
Other names: c.1646A>G, p.Tyr549Cys (NM_001320928.2); c.1646A>G (NM_001278.3); short protein forms Y549C.
Identifiers: ClinVar variation 1356381 (VCV001356381.9), dbSNP rs373576121, ClinGen allele CA5646389.

ClinVar aggregate classification (germline): Uncertain significance. Review status: criteria provided, multiple submitters, no conflicts (2 of 4 stars). 2 submissions from 2 submitters: Uncertain significance (2). Last evaluated 2024-07-05.

Conditions:
Inborn genetic diseases. Identifiers: MedGen C0950123, MeSH D030342.

Allele frequency attached by ClinVar (database versions not stated): gnomAD 0.00001; gnomAD exomes 0.00001; ExAC 0.00003; ESP Exome Variant Server 0.00008.
gnomAD v4.1: 16 of 1,599,738 alleles (0.001%); highest among the groups gnomAD compares: East Asian, 0.0022%; no homozygotes.

Submissions (2):

Ambry Genetics
Classification: Uncertain significance for Inborn genetic diseases. Last evaluated: 2024-07-05. Review status: criteria provided, single submitter. Criteria: Ambry Variant Classification Scheme 2023. Collection method: clinical testing. Allele origin: germline.

Labcorp Genetics (formerly Invitae), Labcorp
Classification: Uncertain significance. Last evaluated: 2022-06-13. Review status: criteria provided, single submitter. Criteria: Invitae Variant Classification Sherloc (09022015). Collection method: clinical testing. Allele origin: germline.
Comment: In summary, the available evidence is currently insufficient to determine the role of this variant in disease. Therefore, it has been classified as a Variant of Uncertain Significance. Algorithms developed to predict the effect of missense changes on protein structure and function are either unavailable or do not agree on the potential impact of this missense change (SIFT: "Not Available"; PolyPhen-2: "Benign"; Align-GVGD: "Not Available"). This variant has not been reported in the literature in individuals affected with CHUK-related conditions. This variant is present in population databases (rs373576121, gnomAD 0.003%). This sequence change replaces tyrosine, which is neutral and polar, with cysteine, which is neutral and slightly polar, at codon 549 of the CHUK protein (p.Tyr549Cys).